The following is an entry in ClinVar:

NM_152305.3(POGLUT1):c.1082A>C (p.Asn361Thr)

Gene: POGLUT1 (protein O-glucosyltransferase 1; plus strand). Cytogenetic location: 3q13.33.
Variant type: single nucleotide variant.
Coding change: c.1082A>C on transcript NM_152305.3 (MANE Select); coding-DNA position 1082, A replaced by C.
Protein change: p.Asn361Thr; replaces asparagine 361 with threonine.
Molecular consequence: missense variant. On other transcripts: non-coding transcript variant (1).
Genome position (GRCh38, 1-based): chr3:119,492,341, A>C. VCF-style: chr3-119492341-A-C. GRCh37 (hg19) VCF-style: chr3-119211188-A-C.
Other names: short protein forms N361T.
Identifiers: ClinVar variation 3660212 (VCV003660212.2).

ClinVar aggregate classification (germline): Uncertain significance (1 of 4 stars; one submission).

Submission:

Labcorp Genetics (formerly Invitae), Labcorp
Classification: Uncertain significance. Last evaluated: 2024-07-22. Review status: criteria provided, single submitter. Criteria: Invitae Variant Classification Sherloc (09022015). Collection method: clinical testing. Allele origin: germline.
Comment: This sequence change replaces asparagine, which is neutral and polar, with threonine, which is neutral and polar, at codon 361 of the POGLUT1 protein (p.Asn361Thr). This variant is not present in population databases (gnomAD no frequency). This variant has not been reported in the literature in individuals affected with POGLUT1-related conditions. Advanced modeling of protein sequence and biophysical properties (such as structural, functional, and spatial information, amino acid conservation, physicochemical variation, residue mobility, and thermodynamic stability) performed at Invitae indicates that this missense variant is not expected to disrupt POGLUT1 protein function with a negative predictive value of 80%. In summary, the available evidence is currently insufficient to determine the role of this variant in disease. Therefore, it has been classified as a Variant of Uncertain Significance.